The following is an entry in ClinVar:

NM_001004334.4(GPR179):c.1784+6G>A

Gene: GPR179 (G protein-coupled receptor 179; minus strand). Cytogenetic location: 17q12.
Variant type: single nucleotide variant.
Coding change: c.1784+6G>A on transcript NM_001004334.4 (MANE Select); 6 bases into the intron after coding-DNA position 1784, G replaced by A.
Molecular consequence: intron variant.
Genome position (GRCh38, 1-based): chr17:38,334,698, C>T on the plus strand (G>A on the coding strand, the complement: GPR179 is on the minus strand). VCF-style: chr17-38334698-C-T. GRCh37 (hg19) VCF-style: chr17-36490581-C-T.
Identifiers: ClinVar variation 1047653 (VCV001047653.4), dbSNP rs767785752, ClinGen allele CA290108422.

ClinVar aggregate classification (germline): Uncertain significance (1 of 4 stars; one submission).

Allele frequency attached by ClinVar (database versions not stated): gnomAD 0.00002; TOPMed 0.00003; gnomAD exomes 0.00006 and 0.00013; ExAC 0.00010.
gnomAD v4.1: 40 of 1,613,222 alleles (0.0025%); highest among the groups gnomAD compares: Admixed American, 0.067%; no homozygotes.

Submission:

Labcorp Genetics (formerly Invitae), Labcorp
Classification: Uncertain significance. Last evaluated: 2022-09-06. Review status: criteria provided, single submitter. Criteria: Invitae Variant Classification Sherloc (09022015). Collection method: clinical testing. Allele origin: germline.
Comment: This sequence change falls in intron 8 of the GPR179 gene. It does not directly change the encoded amino acid sequence of the GPR179 protein. It affects a nucleotide within the consensus splice site. This variant is present in population databases (rs767785752, gnomAD 0.1%). This variant has not been reported in the literature in individuals affected with GPR179-related conditions. ClinVar contains an entry for this variant (Variation ID: 1047653). Variants that disrupt the consensus splice site are a relatively common cause of aberrant splicing (PMID: 17576681, 9536098). Algorithms developed to predict the effect of sequence changes on RNA splicing suggest that this variant is not likely to affect RNA splicing. In summary, the available evidence is currently insufficient to determine the role of this variant in disease. Therefore, it has been classified as a Variant of Uncertain Significance.

Literature cited by the submitters: PubMed 17576681; PubMed 9536098.